The following is an entry in ClinVar:

NM_003072.5(SMARCA4):c.3951+6C>T

Gene: SMARCA4 (SWI/SNF related BAF chromatin remodeling complex subunit ATPase 4; plus strand). Cytogenetic location: 19p13.2.
Variant type: single nucleotide variant.
Coding change: c.3951+6C>T on transcript NM_003072.5 (MANE Select); 6 bases into the intron after coding-DNA position 3951, C replaced by T.
Molecular consequence: intron variant.
Genome position (GRCh38, 1-based): chr19:11,034,206, C>T. VCF-style: chr19-11034206-C-T. GRCh37 (hg19) VCF-style: chr19-11144882-C-T.
Other names: c.3951+6C>T (NM_001128844.3, NM_001128849.3, NM_001387283.1); c.3852+6C>T (NM_001128847.4, NM_001374457.1, NM_001128845.2 and 2 more transcripts).
Identifiers: ClinVar variation 470375 (VCV000470375.13), dbSNP rs759241380, ClinGen allele CA9204568.
Genomic context (GRCh38, chr19:11,034,206, plus strand): 5'-CGAGACCGTCAACCAGATGATCGCCCGGCACGAGGAGGAGTTTGATCTGTTCATGGTAAG[C>T]GCTGCAGGCTGGATGGGGCAGTTCAGGCATCCCACTCTGCTGCCACCAGGAGCAAAGCAG-3'

ClinVar aggregate classification (germline): Likely benign. Review status: criteria provided, multiple submitters, no conflicts (2 of 4 stars). 5 submissions from 5 submitters: Likely benign (4). 1 of the submissions does not count toward it. Last evaluated 2026-07-08.

Conditions:
Rhabdoid tumor predisposition syndrome 2 (RTPS2). Identifiers: Orphanet 231108, Orphanet 69077, MedGen C2750074, MONDO:0013224, OMIM 613325.
SMARCA4-related disorder. Also called: SMARCA4-related condition.
Intellectual disability, autosomal dominant 16 (CSS4). Also called: COFFIN-SIRIS SYNDROME 4. Identifiers: Orphanet 1465, MedGen C3553249, MONDO:0013821, OMIM 614609.

Allele frequency attached by ClinVar (database versions not stated): gnomAD exomes 0.00001; ExAC 0.00002; TOPMed 0.00002.
gnomAD v4.1: 7 of 1,610,672 alleles (0.00043%); highest among the groups gnomAD compares: Admixed American, 0.0033%; no homozygotes.

Submissions (5):

Myriad Genetics, Inc.
Classification: Likely benign for Rhabdoid tumor predisposition syndrome 2. Last evaluated: 2026-07-08. Review status: criteria provided, single submitter. Criteria: Myriad Autosomal Dominant, Autosomal Recessive and X-Linked Classification Criteria (2023). Collection method: clinical testing. Allele origin: unknown.
Comment: This variant is considered likely benign. This variant is intronic and is not expected to impact mRNA splicing.

Labcorp Genetics (formerly Invitae), Labcorp
Classification: Likely benign for Rhabdoid tumor predisposition syndrome 2. Last evaluated: 2026-02-03. Review status: criteria provided, single submitter. Criteria: Invitae Variant Classification Sherloc (09022015). Collection method: clinical testing. Allele origin: germline.

Genome-Nilou Lab
Classification: Likely benign for Intellectual disability, autosomal dominant 16. Last evaluated: 2021-07-15. Review status: criteria provided, single submitter. Criteria: ACMG Guidelines, 2015. Collection method: clinical testing. Allele origin: germline. Affected: no.

GeneDx
Classification: Likely benign. Last evaluated: 2017-06-28. Review status: criteria provided, single submitter. Criteria: GeneDx Variant Classification (06012015). Collection method: clinical testing. Allele origin: germline. Affected: yes.
Comment: This variant is considered likely benign or benign based on one or more of the following criteria: it is a conservative change, it occurs at a poorly conserved position in the protein, it is predicted to be benign by multiple in silico algorithms, and/or has population frequency not consistent with disease.

PreventionGenetics, part of Exact Sciences
Classification: Likely benign for SMARCA4-related condition. Last evaluated: 2024-05-10. Review status: no assertion criteria provided. Collection method: clinical testing. Allele origin: germline. Not counted in ClinVar's aggregate classification.
Comment: This variant is classified as likely benign based on ACMG/AMP sequence variant interpretation guidelines (Richards et al. 2015 PMID: 25741868, with internal and published modifications).